The following is an entry in ClinVar:

ClinVar aggregate classification (germline): Uncertain significance (1 of 4 stars; one submission).

Submission:

Dasa
Classification: Uncertain significance. Last evaluated: 2025-01-07. Review status: criteria provided, single submitter. Criteria: DASA Assertion Criteria. Collection method: clinical testing. Allele origin: germline.
Comment: NM_004606.5(TAF1):c.2483T>G (p.Met828Arg) is a missense variant that results in the substitution of methionine with arginine. This variant is absent from population databases. The currently available literature and clinical evidence are not sufficient to establish a definitive association between this variant and the reported condition. Therefore, this variant is classified as a variant of uncertain significance.

NM_004606.5(TAF1):c.2483T>G (p.Met828Arg)

Gene: TAF1 (TATA-box binding protein associated factor 1; plus strand). Cytogenetic location: Xq13.1.
Variant type: single nucleotide variant.
Coding change: c.2483T>G on transcript NM_004606.5 (MANE Select); coding-DNA position 2483, T replaced by G.
Protein change: p.Met828Arg; replaces methionine 828 with arginine.
Molecular consequence: missense variant. On other transcripts: non-coding transcript variant (9).
Genome position (GRCh38, 1-based): chrX:71,388,292, T>G. VCF-style: chrX-71388292-T-G. GRCh37 (hg19) VCF-style: chrX-70608142-T-G.
Other names: c.2483T>G, p.Met828Arg (NM_001286074.2, NM_001440852.1, NM_001440853.1); c.2420T>G, p.Met807Arg (NM_001440854.1, NM_138923.4); short protein forms M807R, M828R.
Identifiers: ClinVar variation 5021019 (VCV005021019.1).
Genomic context (GRCh38, chrX:71,388,292, plus strand): 5'-GGCAGGTTTTTATTTACCGCCTTTTCTGGAAAAGTAAAGATCGGCCACGGAGGATACGAA[T>G]GGAAGATATAAAAAAAGCCTTTCCTTCCCATTCAGAAAGCAGCATCCGGAAGAGGCTAAA-3'
Protein context (NP_004597.3, residues 818-838): KSKDRPRRIR[Met828Arg]EDIKKAFPSH